The following is an entry in ClinVar:

NM_001130438.3(SPTAN1):c.6026A>G (p.Tyr2009Cys)

Gene: SPTAN1 (spectrin alpha, non-erythrocytic 1; plus strand). Cytogenetic location: 9q34.11.
Variant type: single nucleotide variant.
Coding change: c.6026A>G on transcript NM_001130438.3 (MANE Select); coding-DNA position 6026, A replaced by G.
Protein change: p.Tyr2009Cys; replaces tyrosine 2009 with cysteine.
Molecular consequence: missense variant.
Genome position (GRCh38, 1-based): chr9:128,625,136, A>G. VCF-style: chr9-128625136-A-G. GRCh37 (hg19) VCF-style: chr9-131387415-A-G.
Other names: c.5951A>G, p.Tyr1984Cys (NM_001195532.2); c.6026A>G, p.Tyr2009Cys (NM_001363759.2, NM_001375310.1, NM_001375311.2 and 1 more transcripts); c.5966A>G, p.Tyr1989Cys (NM_001363765.2, NM_001375314.2); c.6062A>G, p.Tyr2021Cys (NM_001375312.2, NM_001375318.1); c.6011A>G, p.Tyr2004Cys (NM_003127.4); short protein forms Y1984C, Y1989C, Y2004C, Y2009C, Y2021C.
Identifiers: ClinVar variation 3902794 (VCV003902794.1).

ClinVar aggregate classification (germline): Uncertain significance (1 of 4 stars; one submission).

Submission:

Women's Health and Genetics/Laboratory Corporation of America, LabCorp
Classification: Uncertain significance. Last evaluated: 2025-05-20. Review status: criteria provided, single submitter. Criteria: LabCorp Variant Classification Summary - May 2015. Collection method: clinical testing. Allele origin: germline.
Comment: Variant summary: SPTAN1 c.6026A>G (p.Tyr2009Cys) results in a non-conservative amino acid change in the encoded protein sequence. Algorithms developed to predict the effect of missense changes on protein structure and function are either unavailable or do not agree on the potential impact of this missense change. The variant was absent in 251470 control chromosomes. The available data on variant occurrences in the general population are insufficient to allow any conclusion about variant significance. To our knowledge, no occurrence of c.6026A>G in individuals affected with Epileptic Encephalopathy, Early Infantile, 5 and no experimental evidence demonstrating its impact on protein function have been reported. No submitters have cited clinical-significance assessments for this variant to ClinVar. Based on the evidence outlined above, the variant was classified as uncertain significance.